The following is an entry in ClinVar:

NM_004813.4(PEX16):c.180C>T (p.Leu60=)

Gene: PEX16 (peroxisomal biogenesis factor 16; minus strand). Cytogenetic location: 11p11.2.
Variant type: single nucleotide variant.
Coding change: c.180C>T on transcript NM_004813.4 (MANE Select); coding-DNA position 180, C replaced by T.
Protein change: p.Leu60=; no amino-acid change (leucine 60 retained).
Molecular consequence: synonymous variant.
Genome position (GRCh38, 1-based): chr11:45,916,272, G>A on the plus strand (C>T on the coding strand, the complement: PEX16 is on the minus strand). VCF-style: chr11-45916272-G-A. GRCh37 (hg19) VCF-style: chr11-45937823-G-A.
Other names: c.180C>T, p.Leu60= (NM_057174.3); c.180C>T (NM_004813.2).
Identifiers: ClinVar variation 499390 (VCV000499390.16), dbSNP rs779326282, ClinGen allele CA5960071.

ClinVar aggregate classification (germline): Conflicting classifications of pathogenicity. Review status: criteria provided, conflicting classifications (1 of 4 stars). 4 submissions from 4 submitters: Uncertain significance (1); Likely benign (3). Last evaluated 2025-12-28.

Conditions:
PEX16-related disorder. Also called: PEX16-related condition.
Peroxisome biogenesis disorder. Identifiers: Orphanet 79189, MedGen C1832200, MONDO:0019234. Disease mechanism: loss of function.

Allele frequency attached by ClinVar (database versions not stated): gnomAD 0.00002 and 0.00003; TOPMed 0.00002; gnomAD exomes 0.00003; ExAC 0.00006.
gnomAD v4.1: 45 of 1,613,824 alleles (0.0028%); highest among the groups gnomAD compares: Non-Finnish European, 0.0035%; no homozygotes.

Submissions (4):

Labcorp Genetics (formerly Invitae), Labcorp
Classification: Likely benign for Peroxisome biogenesis disorder. Last evaluated: 2025-12-28. Review status: criteria provided, single submitter. Criteria: Invitae Variant Classification Sherloc (09022015). Collection method: clinical testing. Allele origin: germline.

PreventionGenetics, part of Exact Sciences
Classification: Likely benign for PEX16-related condition. Last evaluated: 2025-09-16. Review status: criteria provided, single submitter. Criteria: ACMG Guidelines, 2015. Collection method: clinical testing. Allele origin: germline.
Comment: This variant is classified as likely benign based on ACMG/AMP sequence variant interpretation guidelines (Richards et al. 2015 PMID: 25741868, with internal and published modifications).

Blueprint Genetics
Classification: Likely benign. Last evaluated: 2022-05-12. Review status: criteria provided, single submitter. Criteria: ACMG Guidelines, 2015. Collection method: clinical testing. Allele origin: germline.

Eurofins Ntd Llc (ga)
Classification: Uncertain significance. Last evaluated: 2016-12-27. Review status: criteria provided, single submitter. Criteria: EGL Classification Definitions 2015. Collection method: clinical testing. Allele origin: germline. Observed: 1 variant allele, 1 heterozygote.